The following is an entry in ClinVar:

ClinVar aggregate classification (germline): Uncertain significance. Review status: criteria provided, multiple submitters, no conflicts (2 of 4 stars). 2 submissions from 2 submitters: Uncertain significance (2). Last evaluated 2024-07-14.

Conditions:
Inborn genetic diseases. Identifiers: MedGen C0950123, MeSH D030342.

Allele frequency attached by ClinVar (database versions not stated): gnomAD exomes 0.00002; ExAC 0.00003; TOPMed 0.00006; gnomAD 0.00007 and 0.00008.
gnomAD v4.1: 38 of 1,613,408 alleles (0.0024%); highest among the groups gnomAD compares: African/African-American, 0.031%; no homozygotes.

Submissions (2):

Ambry Genetics
Classification: Uncertain significance for Inborn genetic diseases. Last evaluated: 2024-07-14. Review status: criteria provided, single submitter. Criteria: Ambry Variant Classification Scheme 2023. Collection method: clinical testing. Allele origin: germline.

Labcorp Genetics (formerly Invitae), Labcorp
Classification: Uncertain significance. Last evaluated: 2021-09-02. Review status: criteria provided, single submitter. Criteria: Invitae Variant Classification Sherloc (09022015). Collection method: clinical testing. Allele origin: germline.
Comment: This sequence change replaces arginine with cysteine at codon 178 of the FKBP10 protein (p.Arg178Cys). The arginine residue is highly conserved and there is a large physicochemical difference between arginine and cysteine. This variant is present in population databases (rs782027232, ExAC 0.04%). This variant has not been reported in the literature in individuals affected with FKBP10-related conditions. Algorithms developed to predict the effect of missense changes on protein structure and function (SIFT, PolyPhen-2, Align-GVGD) all suggest that this variant is likely to be disruptive. In summary, the available evidence is currently insufficient to determine the role of this variant in disease. Therefore, it has been classified as a Variant of Uncertain Significance.

NM_021939.4(FKBP10):c.532C>T (p.Arg178Cys)

Gene: FKBP10 (FKBP prolyl isomerase 10; plus strand). Cytogenetic location: 17q21.2.
Variant type: single nucleotide variant.
Coding change: c.532C>T on transcript NM_021939.4 (MANE Select); coding-DNA position 532, C replaced by T.
Protein change: p.Arg178Cys; replaces arginine 178 with cysteine.
Molecular consequence: missense variant.
Genome position (GRCh38, 1-based): chr17:41,818,229, C>T. VCF-style: chr17-41818229-C-T. GRCh37 (hg19) VCF-style: chr17-39974481-C-T.
Other names: c.532C>T (NM_021939.3); short protein forms R178C.
Identifiers: ClinVar variation 1382065 (VCV001382065.6), dbSNP rs782027232, ClinGen allele CA8566270.